The following is an entry in ClinVar:

NM_017636.4(TRPM4):c.1451C>A (p.Ala484Glu)

Gene: TRPM4 (transient receptor potential cation channel subfamily M member 4; plus strand). Cytogenetic location: 19q13.33.
Variant type: single nucleotide variant.
Coding change: c.1451C>A on transcript NM_017636.4 (MANE Select); coding-DNA position 1451, C replaced by A.
Protein change: p.Ala484Glu; replaces alanine 484 with glutamic acid.
Molecular consequence: missense variant. On other transcripts: 5 prime UTR variant (1).
Genome position (GRCh38, 1-based): chr19:49,182,765, C>A. VCF-style: chr19-49182765-C-A. GRCh37 (hg19) VCF-style: chr19-49686022-C-A.
Other names: c.1451C>A, p.Ala484Glu (NM_001195227.2); c.1106C>A, p.Ala369Glu (NM_001321281.2); c.-103C>A (NM_001321282.2); c.929C>A, p.Ala310Glu (NM_001321283.2); c.389C>A, p.Ala130Glu (NM_001321285.2); short protein forms A130E, A310E, A369E, A484E.
Identifiers: ClinVar variation 3683859 (VCV003683859.2).
Genomic context (GRCh38, chr19:49,182,765, plus strand): 5'-ACAGCGCGGCGCCCTCCAACTCGCTCATCCGCAACCTTTTGGACCAGGCGTCCCACAGCG[C>A]AGGCACCAAAGCCCCAGCCCTAAAAGGGGGAGCTGCGGAGCTCCGGCCCCCTGACGTGGG-3'
Protein context (NP_060106.2, residues 474-494): RNLLDQASHS[Ala484Glu]GTKAPALKGG

ClinVar aggregate classification (germline): Uncertain significance (1 of 4 stars; one submission).

Conditions:
Progressive familial heart block type IB (PFHB1B). Identifiers: Orphanet 871, MedGen C1970298, MONDO:0011474, OMIM 604559.

gnomAD v4.1: 1 of 1,613,646 alleles (0.000062%); no homozygotes.

Submission:

Labcorp Genetics (formerly Invitae), Labcorp
Classification: Uncertain significance for Progressive familial heart block type IB. Last evaluated: 2024-08-21. Review status: criteria provided, single submitter. Criteria: Invitae Variant Classification Sherloc (09022015). Collection method: clinical testing. Allele origin: germline.
Comment: This sequence change replaces alanine, which is neutral and non-polar, with glutamic acid, which is acidic and polar, at codon 484 of the TRPM4 protein (p.Ala484Glu). The frequency data for this variant in the population databases is considered unreliable, as metrics indicate poor data quality at this position in the gnomAD database. This variant has not been reported in the literature in individuals affected with TRPM4-related conditions. An algorithm developed to predict the effect of missense changes on protein structure and function (PolyPhen-2) suggests that this variant is likely to be tolerated. In summary, the available evidence is currently insufficient to determine the role of this variant in disease. Therefore, it has been classified as a Variant of Uncertain Significance.